The following is an entry in ClinVar:

NM_194248.3(OTOF):c.4629-9C>T

Gene: OTOF (otoferlin; minus strand). Cytogenetic location: 2p23.3.
Variant type: single nucleotide variant.
Coding change: c.4629-9C>T on transcript NM_194248.3 (MANE Select); 9 bases into the intron before coding-DNA position 4629, C replaced by T.
Molecular consequence: intron variant.
Genome position (GRCh38, 1-based): chr2:26,465,851, G>A on the plus strand (C>T on the coding strand, the complement: OTOF is on the minus strand). VCF-style: chr2-26465851-G-A. GRCh37 (hg19) VCF-style: chr2-26688719-G-A.
Other names: p.?; c.4629-9C>T (NM_001287489.2); c.2328-9C>T (NM_194323.3, NM_004802.4); c.2559-9C>T (NM_194322.3).
Identifiers: ClinVar variation 48239 (VCV000048239.22), dbSNP rs72853726, ClinGen allele CA142896.

ClinVar aggregate classification (germline): Benign/Likely benign. Review status: criteria provided, multiple submitters, no conflicts (2 of 4 stars). 8 submissions from 8 submitters: Benign (6); Likely benign (2). Last evaluated 2026-02-02.

Conditions:
Autosomal recessive nonsyndromic hearing loss 9. Also called: Deafness, autosomal recessive 9; AUDITORY NEUROPATHY, AUTOSOMAL RECESSIVE, 1, TEMPERATURE-SENSITIVE; NEUROSENSORY NONSYNDROMIC RECESSIVE DEAFNESS 9; OTOF-Related Hearing Loss. Identifiers: Orphanet 90636, MedGen C1832828, MONDO:0010986, OMIM 601071.

Allele frequency attached by ClinVar (database versions not stated): gnomAD exomes 0.00456; ExAC 0.00537; gnomAD 0.01185 and 0.01237; TOPMed 0.01373; ESP Exome Variant Server 0.01484; 1000 Genomes Project 0.01538; 1000 Genomes Project 30x 0.01577.
gnomAD v4.1: 5,341 of 1,614,234 alleles (0.33%); highest among the groups gnomAD compares: African/African-American, 3.9%; 68 homozygotes.

Submissions (8):

Labcorp Genetics (formerly Invitae), Labcorp
Classification: Benign. Last evaluated: 2026-02-02. Review status: criteria provided, single submitter. Criteria: Invitae Variant Classification Sherloc (09022015). Collection method: clinical testing. Allele origin: germline.

Women's Health and Genetics/Laboratory Corporation of America, LabCorp
Classification: Benign. Last evaluated: 2026-01-08. Review status: criteria provided, single submitter. Criteria: LabCorp Variant Classification Summary - May 2015. Collection method: clinical testing. Allele origin: germline.

Mayo Clinic Laboratories, Mayo Clinic
Classification: Benign. Last evaluated: 2021-12-28. Review status: criteria provided, single submitter. Criteria: ACMG Guidelines, 2015. Collection method: clinical testing. Allele origin: germline. Observed: 9 variant alleles.
Comment: BA1, BS1, BS2

GeneDx
Classification: Benign. Last evaluated: 2018-03-30. Review status: criteria provided, single submitter. Criteria: GeneDx Variant Classification (06012015). Collection method: clinical testing. Allele origin: germline. Affected: yes.
Comment: This variant is considered likely benign or benign based on one or more of the following criteria: it is a conservative change, it occurs at a poorly conserved position in the protein, it is predicted to be benign by multiple in silico algorithms, and/or has population frequency not consistent with disease.

Illumina Laboratory Services, Illumina
Classification: Likely benign for Autosomal recessive nonsyndromic hearing loss 9. Last evaluated: 2018-01-13. Review status: criteria provided, single submitter. Criteria: ICSL Variant Classification Criteria 13 December 2019. Collection method: clinical testing. Allele origin: germline.
Comment: This variant was observed in the ICSL laboratory as part of a predisposition screen in an ostensibly healthy population. It had not been previously curated by ICSL or reported in the Human Gene Mutation Database (HGMD: prior to June 1st, 2018), and was therefore a candidate for classification through an automated scoring system. Utilizing variant allele frequency, disease prevalence and penetrance estimates, and inheritance mode, an automated score was calculated to assess if this variant is too frequent to cause the disease. Based on the score and internal cut-off values, a variant classified as likely benign is not then subjected to further curation. The score for this variant resulted in a classification of likely benign for this disease.

Laboratory for Molecular Medicine, Mass General Brigham Personalized Medicine
Classification: Benign. Last evaluated: 2011-12-16. Review status: criteria provided, single submitter. Criteria: LMM Criteria. Collection method: clinical testing. Allele origin: germline. Observed: 22 variant alleles.
Comment: 4629-9C>T in exon 38 of OTOF: This variant is not expected to have clinical sign ificance because it has been identified in 3.9% (147/3738) of chromosomes from a broad African American population and 0.15% (11/7020) of chromosomes from a bro ad European American population (dbSNP rs72853726).

Breakthrough Genomics
Classification: Likely benign. Review status: criteria provided, single submitter. Criteria: ACMG Guidelines, 2015. Collection method: not provided. Allele origin: germline. Inheritance: Autosomal recessive inheritance. Affected: yes.

PreventionGenetics, part of Exact Sciences
Classification: Benign. Review status: criteria provided, single submitter. Criteria: ACMG Guidelines, 2015. Collection method: clinical testing. Allele origin: germline.